The following is an entry in ClinVar:

NM_020738.4(KIDINS220):c.4492G>T (p.Glu1498Ter)

Gene: KIDINS220 (kinase D interacting substrate 220; minus strand). Cytogenetic location: 2p25.1.
Variant type: single nucleotide variant.
Coding change: c.4492G>T on transcript NM_020738.4 (MANE Select); coding-DNA position 4492, G replaced by T.
Protein change: p.Glu1498Ter; replaces glutamic acid 1498 with a stop codon.
Molecular consequence: nonsense. On other transcripts: intron variant (6).
Genome position (GRCh38, 1-based): chr2:8,731,544, C>A on the plus strand (G>T on the coding strand, the complement: KIDINS220 is on the minus strand). VCF-style: chr2-8731544-C-A. GRCh37 (hg19) VCF-style: chr2-8871674-C-A.
Other names: c.3882+1900G>T (NM_001348743.2, NM_001348741.2, NM_001348742.2); c.3885+1900G>T (NM_001348740.2, NM_001348739.2); c.4495G>T, p.Glu1499Ter (NM_001348729.2); c.4438G>T, p.Glu1480Ter (NM_001348731.2); c.4435G>T, p.Glu1479Ter (NM_001348732.2); c.4324G>T, p.Glu1442Ter (NM_001348734.2); c.4321G>T, p.Glu1441Ter (NM_001348735.2); c.4195G>T, p.Glu1399Ter (NM_001348736.2); and 1 more; short protein forms E1399*, E1441*, E1442*, E1479*, E1480*, E1498*, E1499*.
Identifiers: ClinVar variation 4796580 (VCV004796580.2).

ClinVar aggregate classification (germline): Conflicting classifications of pathogenicity. Review status: criteria provided, conflicting classifications (1 of 4 stars). 2 submissions from 2 submitters: Likely pathogenic (1); Uncertain significance (1). Last evaluated 2023-12-11.

Conditions:
Ventriculomegaly and arthrogryposis. Identifiers: MedGen C5561973, MONDO:0859184, OMIM 619501.
Spastic paraplegia, intellectual disability, nystagmus, and obesity. Also called: Spastic paraplegia, intellectual disability, nystagmus, and obesity;. Identifiers: Orphanet 521390, MedGen C4284592, MONDO:0015007, OMIM 617296.
KIDINS220-related disorder. Also called: KIDINS220-related condition.

Submissions (2):

Blueprint Genetics
Classification: Likely pathogenic for KIDINS220-related disorders. Last evaluated: 2023-12-11. Review status: criteria provided, single submitter. Criteria: ACMG Guidelines, 2015. Collection method: clinical testing. Allele origin: de novo. Affected: yes. Observed: 1 variant allele.

Juno Genomics, Hangzhou Juno Genomics, Inc
Classification: Uncertain significance for Spastic paraplegia, intellectual disability, nystagmus, and obesity; Ventriculomegaly and arthrogryposis. Review status: criteria provided, single submitter. Criteria: ACMG Guidelines, 2015. Collection method: clinical testing. Allele origin: germline. Affected: yes.
Comment: Absent from controls (or at extremely low frequency if recessive) in Genome Aggregation Database, Exome Sequencing Project, 1000 Genomes Project, or Exome Aggregation Consortium.;De novo (both maternity and paternity confirmed) in a patient with the disease and no family history.;Patient's phenotype or family history is highly specific for a disease with a single genetic etiology.